The following is an entry in ClinVar:

NM_147686.4(TRAF3IP2):c.1286C>A (p.Thr429Asn)

Genes: TRAF3IP2 (TRAF3 interacting protein 2; minus strand), TRAF3IP2-AS1 (TRAF3IP2 antisense RNA 1; plus strand). Cytogenetic location: 6q21.
Variant type: single nucleotide variant.
Coding change: c.1286C>A on transcript NM_147686.4 (MANE Select); coding-DNA position 1286, C replaced by A.
Protein change: p.Thr429Asn; replaces threonine 429 with asparagine.
Molecular consequence: missense variant.
Genome position (GRCh38, 1-based): chr6:111,572,899, G>T on the plus strand (C>A on the coding strand, the complement: TRAF3IP2 is on the minus strand). VCF-style: chr6-111572899-G-T. GRCh37 (hg19) VCF-style: chr6-111894102-G-T.
Other names: c.1313C>A, p.Thr438Asn (NM_147200.3); c.1286C>A, p.Thr429Asn (NM_001164281.3); short protein forms T429N, T438N.
Identifiers: ClinVar variation 812084 (VCV000812084.3), dbSNP rs1583223171, ClinGen allele CA365361957.
Genomic context (GRCh38, chr6:111,572,899, plus strand): 5'-TCTCTCCATTGTACTCACTATAACTGTTCAGTTATCTATTTGGACAAAATACTTACTGCA[G>T]TTTGGAAGCCATTTACCAACAAAAAGTTCACGAATTTCACCACCTCCATAGCTGTGTCCA-3'
Protein context (NP_679211.2, residues 419-439): VNFLLVNGFQ[Thr429Asn]AIDIFEDRIR

ClinVar aggregate classification (germline): Pathogenic (1 of 4 stars; one submission).

Conditions:
Discoid lupus erythematosus. Also called: Discoid lupus rash. Identifiers: Orphanet 90281, MedGen C5574816, MONDO:0019558, HP:0007417, MeSH D008179.

Submission:

Nemer Genomics and Translation Biomedicine Lab, American University of Beirut
Classification: Pathogenic for Discoid lupus rash. Last evaluated: 2019-11-28. Review status: criteria provided, single submitter. Criteria: ACMG Guidelines, 2015. Collection method: research. Allele origin: germline. Inheritance: Autosomal recessive inheritance. Affected: yes.
Comment: We have unveiled the first genetic clue in Discoid Lupus Erythematosus as being caused by a biallelic mutation in the gene encoding TRAF3IP2. Our mutation (p.T438N) segregates with the phenotype in a Lebanese family with 4 affected siblings and was absent from 300 ethnically matched individuals as well as in the gnomAD database with a null genotype frequency in gnomAD. Functional and expression studies in cultured cells revealed mis-localization of the mutated protein and a significantly reduced physical interaction with the interleukin 17-A receptor (IL17RA).